The following is an entry in ClinVar:

NM_000059.4(BRCA2):c.9381_9388del (p.Trp3127_Glu3130delinsTer)

Gene: BRCA2 (BRCA2 DNA repair associated; plus strand). Cytogenetic location: 13q13.1.
Variant type: Deletion.
Coding change: c.9381_9388del on transcript NM_000059.4 (MANE Select); coding-DNA positions 9381 to 9388, 8 bases deleted (GCGACCAG; older notation c.9381_9388delGCGACCAG).
Protein change: p.Trp3127_Glu3130delinsTer.
Molecular consequence: nonsense.
Genome position (GRCh38, 1-based): chr13:32,394,813-32,394,820, GCGACCAG deleted; deleting any 8 consecutive bases within chr13:32,394,812-32,394,820 gives the same sequence; the c. name uses the placement nearest the transcript's 3' end. VCF-style (leftmost placement, unchanged base first): chr13-32394811-TGGCGACCA-T. GRCh37 (hg19) VCF-style: chr13-32968948-TGGCGACCA-T.
Other names: 9609del8.
Identifiers: ClinVar variation 267158 (VCV000267158.5), dbSNP rs886040837, ClinGen allele CA10589564.

ClinVar aggregate classification (germline): Pathogenic. Review status: reviewed by expert panel (3 of 4 stars). 2 submissions from 2 submitters: Pathogenic (1). 1 of the submissions does not count toward it. Last evaluated 2016-10-18.

Conditions:
Breast-ovarian cancer, familial, susceptibility to, 2 (BROVCA2). Also called: BRCA2 Hereditary Breast and Ovarian Cancer. Identifiers: Orphanet 145, MedGen C2675520, MONDO:0012933, OMIM 612555. Disease mechanism: loss of function.

Submissions (2):

Evidence-based Network for the Interpretation of Germline Mutant Alleles (ENIGMA)
Classification: Pathogenic for Breast-ovarian cancer, familial, susceptibility to, 2. Last evaluated: 2016-10-18. Review status: reviewed by expert panel. Criteria: ENIGMA BRCA1/2 Classification Criteria (2015). Collection method: curation. Allele origin: germline.
Comment: Variant allele predicted to encode a truncated non-functional protein.

Consortium of Investigators of Modifiers of BRCA1/2 (CIMBA), c/o University of Cambridge
Classification: Pathogenic for Breast-ovarian cancer, familial, susceptibility to, 2. Last evaluated: 2015-10-02. Review status: criteria provided, single submitter. Criteria: CIMBA Mutation Classification guidelines May 2016. Collection method: clinical testing. Allele origin: germline. Not counted in ClinVar's aggregate classification.